The following is an entry in ClinVar:

ClinVar aggregate classification (germline): Pathogenic (1 of 4 stars; one submission).

Submission:

Labcorp Genetics (formerly Invitae), Labcorp
Classification: Pathogenic. Last evaluated: 2025-01-15. Review status: criteria provided, single submitter. Criteria: Invitae Variant Classification Sherloc (09022015). Collection method: clinical testing. Allele origin: germline.
Comment: This sequence change creates a premature translational stop signal (p.Cys378Valfs*6) in the RNF168 gene. While this is not anticipated to result in nonsense mediated decay, it is expected to disrupt the last 194 amino acid(s) of the RNF168 protein. This variant is not present in population databases (gnomAD no frequency). This variant has not been reported in the literature in individuals affected with RNF168-related conditions. ClinVar contains an entry for this variant (Variation ID: 1502151). Experimental studies and prediction algorithms are not available or were not evaluated, and the functional significance of this variant is currently unknown. This variant disrupts a region of the RNF168 protein in which other variant(s) (p.Gln442Lysfs*45) have been determined to be pathogenic (PMID: 17940005, 19203578). This suggests that this is a clinically significant region of the protein, and that variants that disrupt it are likely to be disease-causing. For these reasons, this variant has been classified as Pathogenic.

Literature cited by the submitters: PubMed 17940005; PubMed 19203578.

NM_152617.4(RNF168):c.1130dup (p.Cys378fs)

Gene: RNF168 (ring finger protein 168; minus strand). Cytogenetic location: 3q29.
Variant type: Duplication.
Coding change: c.1130dup on transcript NM_152617.4 (MANE Select); coding-DNA position 1130, one base duplicated (C; older notation c.1130dupC).
Protein change: p.Cys378fs; shifts the reading frame from cysteine 378.
Molecular consequence: frameshift variant.
Genome position (GRCh38, 1-based): chr3:196,472,405, G duplicated on the plus strand (C on the coding strand, the reverse complement: RNF168 is on the minus strand). VCF-style (leftmost placement, unchanged base first): chr3-196472404-C-CG. GRCh37 (hg19) VCF-style: chr3-196199275-C-CG.
Other names: short protein forms C378fs.
Identifiers: ClinVar variation 1502151 (VCV001502151.8), dbSNP rs2108644029, ClinGen allele CA2573136878.